The following is an entry in ClinVar:

ClinVar aggregate classification (germline): Conflicting classifications of pathogenicity. Review status: criteria provided, conflicting classifications (1 of 4 stars). 2 submissions from 2 submitters: Likely pathogenic (1); Uncertain significance (1). Last evaluated 2020-09-10.

Conditions:
Developmental and epileptic encephalopathy, 27 (DEE27). Also called: Epileptic encephalopathy, early infantile, 27; GRIN2B-Related Neurodevelopmental Disorder. Identifiers: Orphanet 3451, MedGen C4015316, MONDO:0014505, OMIM 616139.
Intellectual disability. Also called: intellectual disabilities; Intellectual developmental disorder; Intellectual functioning disability. Identifiers: MedGen C3714756, MeSH D008607, MONDO:0001071, HP:0001249.

Submissions (2):

Diagnostic Laboratory, Strasbourg University Hospital
Classification: Likely pathogenic for Intellectual disability. Last evaluated: 2020-09-10. Review status: criteria provided, single submitter. Criteria: ACMG Guidelines, 2015. Collection method: clinical testing. Allele origin: de novo. Affected: yes. Observed: 1 heterozygote.

Neuberg Centre For Genomic Medicine, NCGM
Classification: Uncertain significance for Developmental and epileptic encephalopathy, 27. Review status: criteria provided, single submitter. Criteria: ACMG Guidelines, 2015. Collection method: clinical testing. Allele origin: germline. Inheritance: Autosomal dominant inheritance. Affected: yes.
Comment: The missense variant c.1961T>G (p.Met654Arg) in GRIN2B gene has not been reported previously as a pathogenic variant nor as a benign variant, to our knowledge. This variant has been reported to the ClinVar database as Likely Pathogenic. The p.Met654Arg variant is novel (not in any individuals) in gnomAD Exomes and 1000 Genomes. The amino acid Met at position 654 is changed to a Arg changing protein sequence and it might alter its composition and physico-chemical properties. The amino acid change p.Met654Arg in GRIN2B is predicted as conserved by GERP++ and PhyloP across 100 vertebrates. For these reasons, this variant has been classified as Uncertain Significance

NM_000834.5(GRIN2B):c.1961T>G (p.Met654Arg)

Gene: GRIN2B (glutamate ionotropic receptor NMDA type subunit 2B; minus strand). Cytogenetic location: 12p13.1.
Variant type: single nucleotide variant.
Coding change: c.1961T>G on transcript NM_000834.5 (MANE Select); coding-DNA position 1961, T replaced by G.
Protein change: p.Met654Arg; replaces methionine 654 with arginine.
Molecular consequence: missense variant.
Genome position (GRCh38, 1-based): chr12:13,608,652, A>C on the plus strand (T>G on the coding strand, the complement: GRIN2B is on the minus strand). VCF-style: chr12-13608652-A-C. GRCh37 (hg19) VCF-style: chr12-13761586-A-C.
Other names: short protein forms M654R.
Identifiers: ClinVar variation 981286 (VCV000981286.1), dbSNP rs1949320254, ClinGen allele CA384050879.